The following is an entry in ClinVar:

NM_001388492.1(HTT):c.7643G>A (p.Ser2548Asn)

Gene: HTT (huntingtin; plus strand). Cytogenetic location: 4p16.3.
Variant type: single nucleotide variant.
Coding change: c.7643G>A on transcript NM_001388492.1 (MANE Select); coding-DNA position 7643, G replaced by A.
Protein change: p.Ser2548Asn; replaces serine 2548 with asparagine.
Molecular consequence: missense variant.
Genome position (GRCh38, 1-based): chr4:3,224,009, G>A. VCF-style: chr4-3224009-G-A. GRCh37 (hg19) VCF-style: chr4-3225736-G-A.
Other names: c.7649G>A, p.Ser2550Asn (NM_002111.8); short protein forms S2550N, S2548N.
Identifiers: ClinVar variation 1523254 (VCV001523254.6), dbSNP rs372373805, ClinGen allele CA2825430.

ClinVar aggregate classification (germline): Uncertain significance (1 of 4 stars; one submission).

Allele frequency attached by ClinVar (database versions not stated): gnomAD 0.00001; gnomAD exomes 0.00001; ExAC 0.00002; ESP Exome Variant Server 0.00008.
gnomAD v4.1: 11 of 1,614,032 alleles (0.00068%); highest among the groups gnomAD compares: African/African-American, 0.004%; no homozygotes.

Submission:

Labcorp Genetics (formerly Invitae), Labcorp
Classification: Uncertain significance. Last evaluated: 2020-12-26. Review status: criteria provided, single submitter. Criteria: Invitae Variant Classification Sherloc (09022015). Collection method: clinical testing. Allele origin: germline.
Comment: Experimental studies and prediction algorithms are not available or were not evaluated, and the functional significance of this variant is currently unknown. This variant has not been reported in the literature in individuals with HTT-related conditions. This variant is present in population databases (rs372373805, ExAC 0.01%). This sequence change replaces serine with asparagine at codon 2550 of the HTT protein (p.Ser2550Asn). The serine residue is moderately conserved and there is a small physicochemical difference between serine and asparagine. In summary, the available evidence is currently insufficient to determine the role of this variant in disease. Therefore, it has been classified as a Variant of Uncertain Significance.